The following is an entry in ClinVar:

GRCh38/hg38 6q12(chr6:64893910-65163684)x1

Genes: EYS (EGF-like photoreceptor maintenance factor; minus strand), LOC132089416 (Neanderthal introgressed variant-containing enhancer experimental_92499; plus strand). Cytogenetic location: 6q12.
Variant type: copy number loss.
Change: copy number 1 (one copy instead of two) of chr6:64,893,910-65,163,684 (269.8 kb, GRCh38 coordinates, 1-based), cytogenetic band 6q12.
Identifiers: ClinVar variation 4796258 (VCV004796258.1).

ClinVar aggregate classification (germline): Uncertain significance (1 of 4 stars; one submission).

Submission:

Medical Genetic Center, Changzhi Maternal and Child Health Care Hospital
Classification: Uncertain significance. Last evaluated: 2025-12-10. Review status: criteria provided, single submitter. Criteria: ACMG/ClinGen CNV Guidelines, 2019. Collection method: clinical testing. Allele origin: unknown.